The following is an entry in ClinVar:

NM_013275.6(ANKRD11):c.3706C>T (p.Gln1236Ter)

Gene: ANKRD11 (ankyrin repeat domain 11; minus strand). Cytogenetic location: 16q24.3.
Variant type: single nucleotide variant.
Coding change: c.3706C>T on transcript NM_013275.6 (MANE Select); coding-DNA position 3706, C replaced by T.
Protein change: p.Gln1236Ter; replaces glutamine 1236 with a stop codon.
Molecular consequence: nonsense.
Genome position (GRCh38, 1-based): chr16:89,282,836, G>A on the plus strand (C>T on the coding strand, the complement: ANKRD11 is on the minus strand). VCF-style: chr16-89282836-G-A. GRCh37 (hg19) VCF-style: chr16-89349244-G-A.
Other names: c.3706C>T, p.Gln1236Ter (NM_001256182.2, NM_001256183.2); short protein forms Q1236*.
Identifiers: ClinVar variation 545701 (VCV000545701.3), dbSNP rs1555528356, ClinGen allele CA397159193.

ClinVar aggregate classification (germline): Likely pathogenic. Review status: no assertion criteria provided (0 of 4 stars). 2 submissions from 2 submitters: Likely pathogenic (2). Last evaluated 2024-05-29.

Conditions:
KBG syndrome (KBGS). Also called: ANKRD11-Related KBG Syndrome. Identifiers: Orphanet 2332, MedGen C0220687, MONDO:0007846, OMIM 148050.

Submissions (2):

The Purple Gene Clinic, Mumbai
Classification: Likely pathogenic for KBG syndrome. Last evaluated: 2024-05-29. Review status: no assertion criteria provided. Collection method: clinical testing. Allele origin: germline. Inheritance: Autosomal dominant inheritance. Affected: yes. Observed: 1 heterozygote.
Comment: This sequence change creates a stop codon and results in premature protein truncation in the ANKRD11 gene. This variant is absent in gnomAD database. This variant has not been reported in the literature in individuals with ANKRD11-related conditions. Loss-of-function variants in ANKRD11 are known to be pathogenic (PMID: 38515699, 37800809, 37226940). For these reasons, this variant has been classified as likely pathogenic.

Foundation for Research in Genetics and Endocrinology, FRIGE's Institute of Human Genetics
Classification: Likely pathogenic for KBG syndrome. Last evaluated: 2018-04-06. Review status: no assertion criteria provided. Collection method: clinical testing. Allele origin: germline. Inheritance: Autosomal dominant inheritance. Affected: yes and no. Observed: 2 variant alleles, 2 heterozygotes. Clinical features observed: Broad forehead (HP:0000337), Broad eyebrow (HP:0011229), Epiphora (HP:0009926), Low-set ears (HP:0000369), Long philtrum (HP:0000343), Wide mouth (HP:0000154), Shortening of all phalanges of fingers (HP:0011910), Prominent fingertip pads (HP:0001212), Thin vermilion border (HP:0000233), Thin upper lip vermilion (HP:0000219), Atrioventricular canal defect (HP:0006695), Brachydactyly (HP:0001156).
Comment: The observed variant c.3706C>T (p.Gln1236Ter) is not reported in 1000 Genomes and ExAC databases. The in silico prediction is disease causing by MutationTaster2.